The following is an entry in ClinVar:

ClinVar aggregate classification (germline): Uncertain significance (1 of 4 stars; one submission).

Allele frequency attached by ClinVar (database versions not stated): gnomAD exomes 0.00001; gnomAD 0.00002; TOPMed 0.00005.
gnomAD v4.1: 8 of 1,205,025 alleles (0.00066%); highest among the groups gnomAD compares: Admixed American, 0.0022%; no homozygotes.

Submission:

Labcorp Genetics (formerly Invitae), Labcorp
Classification: Uncertain significance. Last evaluated: 2024-12-21. Review status: criteria provided, single submitter. Criteria: Invitae Variant Classification Sherloc (09022015). Collection method: clinical testing. Allele origin: germline.
Comment: This sequence change replaces arginine, which is basic and polar, with cysteine, which is neutral and slightly polar, at codon 6 of the BGN protein (p.Arg6Cys). This variant is present in population databases (no rsID available, gnomAD 0.005%). This variant has not been reported in the literature in individuals affected with BGN-related conditions. ClinVar contains an entry for this variant (Variation ID: 2177021). An algorithm developed to predict the effect of missense changes on protein structure and function (PolyPhen-2) suggests that this variant is likely to be tolerated. In summary, the available evidence is currently insufficient to determine the role of this variant in disease. Therefore, it has been classified as a Variant of Uncertain Significance.

NM_001711.6(BGN):c.16C>T (p.Arg6Cys)

Gene: BGN (biglycan; plus strand). Cytogenetic location: Xq28.
Variant type: single nucleotide variant.
Coding change: c.16C>T on transcript NM_001711.6 (MANE Select); coding-DNA position 16, C replaced by T.
Protein change: p.Arg6Cys; replaces arginine 6 with cysteine.
Molecular consequence: missense variant.
Genome position (GRCh38, 1-based): chrX:153,504,647, C>T. VCF-style: chrX-153504647-C-T. GRCh37 (hg19) VCF-style: chrX-152770105-C-T.
Other names: short protein forms R6C.
Identifiers: ClinVar variation 2177021 (VCV002177021.4), dbSNP rs1237471362, ClinGen allele CA415067684.
Genomic context (GRCh38, chrX:153,504,647, plus strand): 5'-CTGGTGCTGATGATCCCCTCGCCTCTTCCCCCAGGTCCATCCGCCATGTGGCCCCTGTGG[C>T]GCCTCGTGTCTCTGCTGGCCCTGAGCCAGGCCCTGCCCTTTGAGCAGAGAGGCTTCTGGG-3'
Protein context (NP_001702.1, residues 1-16): MWPLW[Arg6Cys]LVSLLALSQA